The following is an entry in ClinVar:

ClinVar aggregate classification (germline): Uncertain significance (1 of 4 stars; one submission).

Conditions:
Absence seizure. Also called: Absence epilepsy. Identifiers: Orphanet 1941, MedGen C0014553.
Myoclonic epilepsy, juvenile, susceptibility to, 1. Also called: Myoclonic Epilepsy, Juvenile, 1; EJM1. Identifiers: MedGen C1850778, MONDO:0020752, OMIM 254770.

Allele frequency attached by ClinVar (database versions not stated): gnomAD 0.00003; TOPMed 0.00008.
gnomAD v4.1: 64 of 1,614,024 alleles (0.004%); highest among the groups gnomAD compares: Admixed American, 0.005%; no homozygotes.

Submission:

Labcorp Genetics (formerly Invitae), Labcorp
Classification: Uncertain significance for Myoclonic epilepsy, juvenile, susceptibility to, 1; Absence seizure. Last evaluated: 2022-09-07. Review status: criteria provided, single submitter. Criteria: Invitae Variant Classification Sherloc (09022015). Collection method: clinical testing. Allele origin: germline.
Comment: In summary, the available evidence is currently insufficient to determine the role of this variant in disease. Therefore, it has been classified as a Variant of Uncertain Significance. Algorithms developed to predict the effect of sequence changes on RNA splicing suggest that this variant may create or strengthen a splice site. Algorithms developed to predict the effect of missense changes on protein structure and function are either unavailable or do not agree on the potential impact of this missense change (SIFT: "Deleterious"; PolyPhen-2: "Possibly Damaging"; Align-GVGD: "Class C0"). ClinVar contains an entry for this variant (Variation ID: 581750). This variant has not been reported in the literature in individuals affected with EFHC1-related conditions. This variant is present in population databases (rs138973203, gnomAD 0.01%). This sequence change replaces lysine, which is basic and polar, with arginine, which is basic and polar, at codon 299 of the EFHC1 protein (p.Lys299Arg).

NM_018100.4(EFHC1):c.896A>G (p.Lys299Arg)

Gene: EFHC1 (EF-hand domain containing 1; plus strand). Cytogenetic location: 6p12.2.
Variant type: single nucleotide variant.
Coding change: c.896A>G on transcript NM_018100.4 (MANE Select); coding-DNA position 896, A replaced by G.
Protein change: p.Lys299Arg; replaces lysine 299 with arginine.
Molecular consequence: missense variant. On other transcripts: non-coding transcript variant (1).
Genome position (GRCh38, 1-based): chr6:52,454,267, A>G. VCF-style: chr6-52454267-A-G. GRCh37 (hg19) VCF-style: chr6-52319065-A-G.
Other names: c.839A>G, p.Lys280Arg (NM_001172420.2); short protein forms K299R, K280R.
Identifiers: ClinVar variation 581750 (VCV000581750.12), dbSNP rs138973203, ClinGen allele CA3855939.